The following is an entry in ClinVar:

ClinVar aggregate classification (germline): Benign/Likely benign. Review status: criteria provided, multiple submitters, no conflicts (2 of 4 stars). 4 submissions from 4 submitters: Benign (1); Likely benign (2). 1 of the submissions does not count toward it. Last evaluated 2025-11-02.

Conditions:
Kabuki syndrome. Also called: Kabuki make-up syndrome; NIIKAWA-KUROKI SYNDROME. Identifiers: Orphanet 2322, MedGen C0796004, MONDO:0016512.
KMT2D-related disorder. Also called: KMT2D-Related Disorders.

Allele frequency attached by ClinVar (database versions not stated): gnomAD exomes 0.00002 and 0.00004; ExAC 0.00006; TOPMed 0.00007; ESP Exome Variant Server 0.00008; gnomAD 0.00010 and 0.00011.

Submissions (4):

Labcorp Genetics (formerly Invitae), Labcorp
Classification: Likely benign for Kabuki syndrome. Last evaluated: 2025-11-02. Review status: criteria provided, single submitter. Criteria: Invitae Variant Classification Sherloc (09022015). Collection method: clinical testing. Allele origin: germline.

Genetic Services Laboratory, University of Chicago
Classification: Likely benign. Last evaluated: 2019-06-17. Review status: criteria provided, single submitter. Criteria: ACMG Guidelines, 2015. Collection method: clinical testing. Allele origin: germline. Affected: no.

GeneDx
Classification: Benign. Last evaluated: 2019-04-09. Review status: criteria provided, single submitter. Criteria: GeneDx Variant Classification Process June 2021. Collection method: clinical testing. Allele origin: germline. Affected: yes.

PreventionGenetics, part of Exact Sciences
Classification: Likely benign for KMT2D-related condition. Last evaluated: 2023-01-18. Review status: no assertion criteria provided. Collection method: clinical testing. Allele origin: germline. Not counted in ClinVar's aggregate classification.
Comment: This variant is classified as likely benign based on ACMG/AMP sequence variant interpretation guidelines (Richards et al. 2015 PMID: 25741868, with internal and published modifications).

NM_003482.4(KMT2D):c.8973C>T (p.Pro2991=)

Gene: KMT2D (lysine methyltransferase 2D; minus strand). Cytogenetic location: 12q13.12.
Variant type: single nucleotide variant.
Coding change: c.8973C>T on transcript NM_003482.4 (MANE Select); coding-DNA position 8973, C replaced by T.
Protein change: p.Pro2991=; no amino-acid change (proline 2991 retained).
Molecular consequence: synonymous variant.
Genome position (GRCh38, 1-based): chr12:49,038,383, G>A on the plus strand (C>T on the coding strand, the complement: KMT2D is on the minus strand). VCF-style: chr12-49038383-G-A. GRCh37 (hg19) VCF-style: chr12-49432166-G-A.
Identifiers: ClinVar variation 1138327 (VCV001138327.16), dbSNP rs375466241, ClinGen allele CA6546761.